The following is an entry in ClinVar:

NM_033225.6(CSMD1):c.2520C>T (p.Thr840=)

Gene: CSMD1 (CUB and Sushi multiple domains 1; minus strand). Cytogenetic location: 8p23.2.
Variant type: single nucleotide variant.
Coding change: c.2520C>T on transcript NM_033225.6 (MANE Select); coding-DNA position 2520, C replaced by T.
Protein change: p.Thr840=; no amino-acid change (threonine 840 retained).
Molecular consequence: synonymous variant.
Genome position (GRCh38, 1-based): chr8:3,396,267, G>A on the plus strand (C>T on the coding strand, the complement: CSMD1 is on the minus strand). VCF-style: chr8-3396267-G-A. GRCh37 (hg19) VCF-style: chr8-3253789-G-A.
Identifiers: ClinVar variation 773399 (VCV000773399.29), dbSNP rs201401389, ClinGen allele CA4608306.

ClinVar aggregate classification (germline): Benign/Likely benign. Review status: criteria provided, multiple submitters, no conflicts (2 of 4 stars). 3 submissions from 3 submitters: Benign (2); Likely benign (1). Last evaluated 2023-01-01.

Allele frequency attached by ClinVar (database versions not stated): 1000 Genomes Project 30x 0.00078; 1000 Genomes Project 0.00100; gnomAD 0.00215; TOPMed 0.00242; gnomAD exomes 0.00247; ESP Exome Variant Server 0.00301; ExAC 0.00440.
gnomAD v4.1: 5,589 of 1,590,934 alleles (0.35%); highest among the groups gnomAD compares: Non-Finnish European, 0.42%; 15 homozygotes.

Submissions (3):

CeGaT Center for Human Genetics Tuebingen
Classification: Likely benign. Last evaluated: 2023-01-01. Review status: criteria provided, single submitter. Criteria: CeGaT Center For Human Genetics Tuebingen Variant Classification Criteria Version 2. Collection method: clinical testing. Allele origin: germline. Affected: yes. Observed: 1 variant allele.
Comment: CSMD1: BP4, BP7, BS2

Labcorp Genetics (formerly Invitae), Labcorp
Classification: Benign. Last evaluated: 2019-12-31. Review status: criteria provided, single submitter. Criteria: Invitae Variant Classification Sherloc (09022015). Collection method: clinical testing. Allele origin: germline.

Breakthrough Genomics
Classification: Benign. Review status: criteria provided, single submitter. Criteria: ACMG Guidelines, 2015. Collection method: not provided. Allele origin: germline. Inheritance: Unknown mechanism. Affected: yes.